The following is an entry in ClinVar:

ClinVar aggregate classification (germline): Benign. Review status: criteria provided, multiple submitters, no conflicts (2 of 4 stars). 5 submissions from 5 submitters: Benign (5). Last evaluated 2026-02-03.

Allele frequency attached by ClinVar (database versions not stated): gnomAD exomes 0.21310; ExAC 0.28241; gnomAD 0.31862 and 0.31994; TOPMed 0.33390; 1000 Genomes Project 0.42692; 1000 Genomes Project 30x 0.42879.
gnomAD v4.1: 306,284 of 1,504,374 alleles (20%); highest among the groups gnomAD compares: African/African-American, 66%; 44,334 homozygotes.

Submissions (5):

Labcorp Genetics (formerly Invitae), Labcorp
Classification: Benign. Last evaluated: 2026-02-03. Review status: criteria provided, single submitter. Criteria: Invitae Variant Classification Sherloc (09022015). Collection method: clinical testing. Allele origin: germline.

Blueprint Genetics
Classification: Benign. Last evaluated: 2024-11-27. Review status: criteria provided, single submitter. Criteria: ACMG Guidelines, 2015. Collection method: clinical testing. Allele origin: germline.

Unidad de Genómica Garrahan, Hospital de Pediatría Garrahan
Classification: Benign. Last evaluated: 2024-07-31. Review status: criteria provided, single submitter. Criteria: ACMG Guidelines, 2015. Collection method: clinical testing. Allele origin: germline. Affected: no. Observed: 24 variant alleles.
Comment: This variant is classified as Benign based on local population frequency. This variant was detected in 26% of patients studied in a panel designed for Epileptic and Developmental Encephalopathy, Progressive Myoclonus Epilepsy and Abnormal Movements and Neurodegeneration with brain iron accumulation. Number of patients: 24. Only high quality variants are reported.

GeneDx
Classification: Benign. Last evaluated: 2020-10-20. Review status: criteria provided, single submitter. Criteria: GeneDx Variant Classification Process June 2021. Collection method: clinical testing. Allele origin: germline. Affected: yes.

Breakthrough Genomics
Classification: Benign. Review status: criteria provided, single submitter. Criteria: ACMG Guidelines, 2015. Collection method: not provided. Allele origin: germline. Inheritance: Autosomal recessive inheritance. Affected: yes.

NM_000718.4(CACNA1B):c.2584G>T (p.Ala862Ser)

Gene: CACNA1B (calcium voltage-gated channel subunit alpha1 B; plus strand). Cytogenetic location: 9q34.3.
Variant type: single nucleotide variant.
Coding change: c.2584G>T on transcript NM_000718.4 (MANE Select); coding-DNA position 2584, G replaced by T.
Protein change: p.Ala862Ser; replaces alanine 862 with serine.
Molecular consequence: missense variant.
Genome position (GRCh38, 1-based): chr9:138,023,327, G>T. VCF-style: chr9-138023327-G-T. GRCh37 (hg19) VCF-style: chr9-140917779-G-T.
Other names: c.2584G>T, p.Ala862Ser (NM_001243812.2); short protein forms A862S.
Identifiers: ClinVar variation 1233429 (VCV001233429.15), dbSNP rs7873074, ClinGen allele CA5376487.